The following is an entry in ClinVar:

ClinVar aggregate classification (germline): Uncertain significance. Review status: criteria provided, multiple submitters, no conflicts (2 of 4 stars). 2 submissions from 2 submitters: Uncertain significance (2). Last evaluated 2025-07-02.

gnomAD v4.1: 11 of 1,613,192 alleles (0.00068%); highest among the groups gnomAD compares: East Asian, 0.0045%; no homozygotes.

Submissions (2):

Ambry Genetics
Classification: Uncertain significance. Last evaluated: 2025-07-02. Review status: criteria provided, single submitter. Criteria: Ambry Variant Classification Scheme 2023. Collection method: clinical testing. Allele origin: germline.

Labcorp Genetics (formerly Invitae), Labcorp
Classification: Uncertain significance. Last evaluated: 2024-10-22. Review status: criteria provided, single submitter. Criteria: Invitae Variant Classification Sherloc (09022015). Collection method: clinical testing. Allele origin: germline.
Comment: This sequence change replaces proline, which is neutral and non-polar, with leucine, which is neutral and non-polar, at codon 27 of the NAF1 protein (p.Pro27Leu). This variant is present in population databases (rs757836983, gnomAD 0.01%). This variant has not been reported in the literature in individuals affected with NAF1-related conditions. An algorithm developed to predict the effect of missense changes on protein structure and function outputs the following: PolyPhen-2: "Benign". The leucine amino acid residue is found in multiple mammalian species, which suggests that this missense change does not adversely affect protein function. In summary, the available evidence is currently insufficient to determine the role of this variant in disease. Therefore, it has been classified as a Variant of Uncertain Significance.

NM_138386.3(NAF1):c.80C>T (p.Pro27Leu)

Gene: NAF1 (nuclear assembly factor 1 ribonucleoprotein; minus strand). Cytogenetic location: 4q32.2.
Variant type: single nucleotide variant.
Coding change: c.80C>T on transcript NM_138386.3 (MANE Select); coding-DNA position 80, C replaced by T.
Protein change: p.Pro27Leu; replaces proline 27 with leucine.
Molecular consequence: missense variant.
Genome position (GRCh38, 1-based): chr4:163,166,648, G>A on the plus strand (C>T on the coding strand, the complement: NAF1 is on the minus strand). VCF-style: chr4-163166648-G-A. GRCh37 (hg19) VCF-style: chr4-164087800-G-A.
Other names: c.80C>T, p.Pro27Leu (NM_001128931.2); c.80C>T (NM_138386.2); short protein forms P27L.
Identifiers: ClinVar variation 3611667 (VCV003611667.3).
Genomic context (GRCh38, chr4:163,166,648, plus strand): 5'-AACGACTGTAGCGGCGGCTGTGTCCCTGGCACAGGGGCAGAGCCCGGAGACGGAGCCGCC[G>A]GACCTTCCCCAACTCCAAAGTCGGTGCCATTGAATTTCAGAGTTTCCAGCTGAGCGGCGG-3'
Protein context (NP_612395.2, residues 17-37): NGTDFGVGEG[Pro27Leu]AAPSPGSAPV